The following is an entry in ClinVar:

NM_004560.4(ROR2):c.1067del (p.Pro356fs)

Gene: ROR2 (receptor tyrosine kinase like orphan receptor 2; minus strand). Cytogenetic location: 9q22.31.
Variant type: Deletion.
Coding change: c.1067del on transcript NM_004560.4 (MANE Select); coding-DNA position 1067, one base deleted (C; older notation c.1067delC).
Protein change: p.Pro356fs; shifts the reading frame from proline 356.
Molecular consequence: frameshift variant.
Genome position (GRCh38, 1-based): chr9:91,731,026, G deleted on the plus strand (C on the coding strand, the reverse complement: ROR2 is on the minus strand); the first of 3 consecutive G bases (chr9:91,731,026-91,731,028); deleting any one gives the same sequence. VCF-style (leftmost placement, unchanged base first): chr9-91731025-AG-A. GRCh37 (hg19) VCF-style: chr9-94493307-AG-A.
Other names: c.1067del, p.Pro356fs (NM_001318204.2); short protein forms P356fs.
Identifiers: ClinVar variation 2025006 (VCV002025006.4), dbSNP rs2490167392, ClinGen allele CA2580080671.

ClinVar aggregate classification (germline): Pathogenic (1 of 4 stars; one submission).

Submission:

Labcorp Genetics (formerly Invitae), Labcorp
Classification: Pathogenic. Last evaluated: 2022-08-19. Review status: criteria provided, single submitter. Criteria: Invitae Variant Classification Sherloc (09022015). Collection method: clinical testing. Allele origin: germline.
Comment: For these reasons, this variant has been classified as Pathogenic. This variant has not been reported in the literature in individuals affected with ROR2-related conditions. This variant is not present in population databases (gnomAD no frequency). This sequence change creates a premature translational stop signal (p.Pro356Leufs*89) in the ROR2 gene. It is expected to result in an absent or disrupted protein product. Loss-of-function variants in ROR2 are known to be pathogenic (PMID: 10932186).

Literature cited by the submitters: PubMed 10932186.